The following is an entry in ClinVar:

NM_001271.4(CHD2):c.5153G>A (p.Arg1718Lys)

Gene: CHD2 (chromodomain helicase DNA binding protein 2; plus strand). Cytogenetic location: 15q26.1.
Variant type: single nucleotide variant.
Coding change: c.5153G>A on transcript NM_001271.4 (MANE Select); coding-DNA position 5153, G replaced by A.
Protein change: p.Arg1718Lys; replaces arginine 1718 with lysine.
Molecular consequence: missense variant.
Genome position (GRCh38, 1-based): chr15:93,020,258, G>A. VCF-style: chr15-93020258-G-A. GRCh37 (hg19) VCF-style: chr15-93563488-G-A.
Other names: short protein forms R1718K.
Identifiers: ClinVar variation 1059272 (VCV001059272.11), dbSNP rs2054517021, ClinGen allele CA393908017.

ClinVar aggregate classification (germline): Uncertain significance (1 of 4 stars; one submission).

Conditions:
Developmental and epileptic encephalopathy 94 (DEE94). Also called: Epileptic encephalopathy, childhood-onset; CHD2-Related Neurodevelopmental Disorders. Identifiers: Orphanet 1942, Orphanet 2382, MedGen C3809278, MONDO:0014150, OMIM 615369.

Allele frequency attached by ClinVar (database versions not stated): TOPMed below 0.00001; gnomAD 0.00001.
gnomAD v4.1: 1 of 1,614,020 alleles (0.000062%); highest among the groups gnomAD compares: African/African-American, 0.0013%; no homozygotes.

Submission:

Labcorp Genetics (formerly Invitae), Labcorp
Classification: Uncertain significance for Developmental and epileptic encephalopathy 94. Last evaluated: 2020-02-21. Review status: criteria provided, single submitter. Criteria: Invitae Variant Classification Sherloc (09022015). Collection method: clinical testing. Allele origin: germline.
Comment: This sequence change replaces arginine with lysine at codon 1718 of the CHD2 protein (p.Arg1718Lys). The arginine residue is moderately conserved and there is a small physicochemical difference between arginine and lysine. This variant also falls at the last nucleotide of exon 38 of the CHD2 coding sequence, which is part of the consensus splice site for this exon. This variant is not present in population databases (ExAC no frequency). This variant has not been reported in the literature in individuals with CHD2-related conditions. Algorithms developed to predict the effect of missense changes on protein structure and function are either unavailable or do not agree on the potential impact of this missense change (SIFT: "Deleterious"; PolyPhen-2: "Benign"; Align-GVGD: "Class C0"). Nucleotide substitutions within the consensus splice site are a relatively common cause of aberrant splicing (PMID: 17576681, 9536098). Algorithms developed to predict the effect of sequence changes on RNA splicing suggest that this variant may disrupt the consensus splice site, but this prediction has not been confirmed by published transcriptional studies. In summary, the available evidence is currently insufficient to determine the role of this variant in disease. Therefore, it has been classified as a Variant of Uncertain Significance.

Literature cited by the submitters: PubMed 17576681; PubMed 9536098.